The following is an entry in ClinVar:

NM_004035.7(ACOX1):c.1333G>A (p.Gly445Arg)

Gene: ACOX1 (acyl-CoA oxidase 1; minus strand). Cytogenetic location: 17q25.1.
Variant type: single nucleotide variant.
Coding change: c.1333G>A on transcript NM_004035.7 (MANE Select); coding-DNA position 1333, G replaced by A.
Protein change: p.Gly445Arg; replaces glycine 445 with arginine.
Molecular consequence: missense variant.
Genome position (GRCh38, 1-based): chr17:75,949,863, C>T on the plus strand (G>A on the coding strand, the complement: ACOX1 is on the minus strand). VCF-style: chr17-75949863-C-T. GRCh37 (hg19) VCF-style: chr17-73945944-C-T.
Other names: c.1219G>A, p.Gly407Arg (NM_001185039.2); c.1333G>A, p.Gly445Arg (NM_007292.6); short protein forms G407R, G445R.
Identifiers: ClinVar variation 861980 (VCV000861980.8), dbSNP rs1486722776, ClinGen allele CA401061406.

ClinVar aggregate classification (germline): Uncertain significance (1 of 4 stars; one submission).

Conditions:
Acyl-CoA oxidase deficiency. Also called: STRAIGHT-CHAIN ACYL-CoA OXIDASE DEFICIENCY; Pseudoneonatal adrenoleukodystrophy; Peroxisomal acyl-CoA oxidase deficiency. Identifiers: Orphanet 2971, MedGen C1849678, MONDO:0009919, OMIM 264470. Disease mechanism: loss of function.

Allele frequency attached by ClinVar (database versions not stated): gnomAD exomes below 0.00001 and 0.00001; TOPMed below 0.00001.

Submission:

Labcorp Genetics (formerly Invitae), Labcorp
Classification: Uncertain significance for Acyl-CoA oxidase deficiency. Last evaluated: 2025-10-02. Review status: criteria provided, single submitter. Criteria: Invitae Variant Classification Sherloc (09022015). Collection method: clinical testing. Allele origin: germline.
Comment: This sequence change replaces glycine, which is neutral and non-polar, with arginine, which is basic and polar, at codon 445 of the ACOX1 protein (p.Gly445Arg). This variant is present in population databases (no rsID available, gnomAD 0.0009%). This variant has not been reported in the literature in individuals affected with ACOX1-related conditions. ClinVar contains an entry for this variant (Variation ID: 861980). Invitae Evidence Modeling of protein sequence and biophysical properties (such as structural, functional, and spatial information, amino acid conservation, physicochemical variation, residue mobility, and thermodynamic stability) indicates that this missense variant is not expected to disrupt ACOX1 protein function with a negative predictive value of 80%. In summary, the available evidence is currently insufficient to determine the role of this variant in disease. Therefore, it has been classified as a Variant of Uncertain Significance.